The following is an entry in ClinVar:

NM_000712.4(BLVRA):c.482G>A (p.Arg161Gln)

Gene: BLVRA (biliverdin reductase A; plus strand). Cytogenetic location: 7p13.
Variant type: single nucleotide variant.
Coding change: c.482G>A on transcript NM_000712.4 (MANE Select); coding-DNA position 482, G replaced by A.
Protein change: p.Arg161Gln; replaces arginine 161 with glutamine.
Molecular consequence: missense variant.
Genome position (GRCh38, 1-based): chr7:43,803,697, G>A. VCF-style: chr7-43803697-G-A. GRCh37 (hg19) VCF-style: chr7-43843296-G-A.
Other names: c.482G>A, p.Arg161Gln (NM_001253823.2); short protein forms R161Q.
Identifiers: ClinVar variation 2710715 (VCV002710715.3), dbSNP rs146795036, ClinGen allele CA4234129.
Genomic context (GRCh38, chr7:43,803,697, plus strand): 5'-CTGCTTCCCAGTTCCCACAGCATTTGTGATTTCCCACAGCTGGCCCGTTGGAAGAAGAGC[G>A]GTTTGGCTTCCCTGCATTCAGCGGCATCTCTCGCCTGACCTGGCTGGTCTCCCTCTTTGG-3'
Protein context (NP_000703.2, residues 151-171): LFTAGPLEEE[Arg161Gln]FGFPAFSGIS

ClinVar aggregate classification (germline): Uncertain significance (1 of 4 stars; one submission).

Allele frequency attached by ClinVar (database versions not stated): TOPMed 0.00008; ExAC 0.00010; gnomAD 0.00010; 1000 Genomes Project 30x 0.00016; 1000 Genomes Project 0.00020; ESP Exome Variant Server 0.00031.
gnomAD v4.1: 188 of 1,613,596 alleles (0.012%); highest among the groups gnomAD compares: Non-Finnish European, 0.015%; no homozygotes.

Submission:

Labcorp Genetics (formerly Invitae), Labcorp
Classification: Uncertain significance. Last evaluated: 2023-10-15. Review status: criteria provided, single submitter. Criteria: Invitae Variant Classification Sherloc (09022015). Collection method: clinical testing. Allele origin: germline.
Comment: This sequence change replaces arginine, which is basic and polar, with glutamine, which is neutral and polar, at codon 161 of the BLVRA protein (p.Arg161Gln). This variant is present in population databases (rs146795036, gnomAD 0.02%). This variant has not been reported in the literature in individuals affected with BLVRA-related conditions. Algorithms developed to predict the effect of missense changes on protein structure and function output the following: SIFT: "Not Available"; PolyPhen-2: "Benign"; Align-GVGD: "Not Available". The glutamine amino acid residue is found in multiple mammalian species, which suggests that this missense change does not adversely affect protein function. In summary, the available evidence is currently insufficient to determine the role of this variant in disease. Therefore, it has been classified as a Variant of Uncertain Significance.